The following is an entry in ClinVar:

ClinVar aggregate classification (germline): Benign/Likely benign. Review status: criteria provided, multiple submitters, no conflicts (2 of 4 stars). 3 submissions from 3 submitters: Benign (1); Likely benign (2). Last evaluated 2026-01-06.

Conditions:
Duchenne muscular dystrophy (DMD). Also called: MUSCULAR DYSTROPHY, PSEUDOHYPERTROPHIC PROGRESSIVE, DUCHENNE TYPE; Duchenne Muscular Dystrophy (DMD). Identifiers: Orphanet 98896, MedGen C0013264, MONDO:0010679, OMIM 310200.

Submissions (3):

Labcorp Genetics (formerly Invitae), Labcorp
Classification: Benign for Duchenne muscular dystrophy. Last evaluated: 2026-01-06. Review status: criteria provided, single submitter. Criteria: Invitae Variant Classification Sherloc (09022015). Collection method: clinical testing. Allele origin: germline.

Blueprint Genetics
Classification: Likely benign. Last evaluated: 2019-05-25. Review status: criteria provided, single submitter. Criteria: ACMG Guidelines, 2015. Collection method: clinical testing. Allele origin: germline.

GeneDx
Classification: Likely benign. Last evaluated: 2018-03-07. Review status: criteria provided, single submitter. Criteria: GeneDx Variant Classification (06012015). Collection method: clinical testing. Allele origin: germline. Affected: yes.
Comment: This variant is considered likely benign or benign based on one or more of the following criteria: it is a conservative change, it occurs at a poorly conserved position in the protein, it is predicted to be benign by multiple in silico algorithms, and/or has population frequency not consistent with disease.

NM_004006.3(DMD):c.7542+13dup

Gene: DMD (dystrophin; minus strand). Cytogenetic location: Xp21.1.
Variant type: Duplication.
Coding change: c.7542+13dup on transcript NM_004006.3 (MANE Select); 13 bases into the intron after coding-DNA position 7542, one base duplicated (A; older notation c.7542+13dupA).
Molecular consequence: intron variant.
Genome position (GRCh38, 1-based): chrX:31,773,947, T duplicated on the plus strand (A on the coding strand, the reverse complement: DMD is on the minus strand); the first of 6 consecutive T bases (chrX:31,773,947-31,773,952); duplicating any one gives the same sequence. VCF-style (leftmost placement, unchanged base first): chrX-31773946-A-AT. GRCh37 (hg19) VCF-style: chrX-31792063-A-AT.
Other names: c.7542+13dupA (NM_004006.2); c.7518+13dup (NM_000109.4); c.3519+13dup (NM_004011.4); c.3510+13dup (NM_004012.4); c.162+13dup (NM_004023.3, NM_004020.4, NM_004022.3 and 2 more transcripts); c.7530+13dup (NM_004009.3); c.7173+13dup (NM_004010.3).
Identifiers: ClinVar variation 507064 (VCV000507064.10), dbSNP rs754483930, ClinGen allele CA10378262.